The following is an entry in ClinVar:

NM_015178.3(RHOBTB2):c.248G>A (p.Trp83Ter)

Gene: RHOBTB2 (Rho related BTB domain containing 2; plus strand). Cytogenetic location: 8p21.3.
Variant type: single nucleotide variant.
Coding change: c.248G>A on transcript NM_015178.3 (MANE Select); coding-DNA position 248, G replaced by A.
Protein change: p.Trp83Ter; replaces tryptophan 83 with a stop codon.
Molecular consequence: nonsense.
Genome position (GRCh38, 1-based): chr8:23,005,427, G>A. VCF-style: chr8-23005427-G-A. GRCh37 (hg19) VCF-style: chr8-22862940-G-A.
Other names: c.314G>A (NM_001160036.1); c.314G>A, p.Trp105Ter (NM_001160036.2); c.269G>A, p.Trp90Ter (NM_001160037.2); c.248G>A, p.Trp83Ter (NM_001374791.1); short protein forms W105*, W83*, W90*.
Identifiers: ClinVar variation 1663171 (VCV001663171.8), dbSNP rs1357068280, ClinGen allele CA370560453.

ClinVar aggregate classification (germline): Conflicting classifications of pathogenicity. Review status: criteria provided, conflicting classifications (1 of 4 stars). 2 submissions from 2 submitters: Uncertain significance (1); Likely benign (1). Last evaluated 2023-12-11.

Allele frequency attached by ClinVar (database versions not stated): gnomAD exomes below 0.00001.
gnomAD v4.1: 1 of 1,614,010 alleles (0.000062%); highest among the groups gnomAD compares: Admixed American, 0.0017%; no homozygotes.

Submissions (2):

Labcorp Genetics (formerly Invitae), Labcorp
Classification: Likely benign. Last evaluated: 2023-12-11. Review status: criteria provided, single submitter. Criteria: Invitae Variant Classification Sherloc (09022015). Collection method: clinical testing. Allele origin: germline.

GeneDx
Classification: Uncertain significance. Last evaluated: 2022-12-28. Review status: criteria provided, single submitter. Criteria: GeneDx Variant Classification Process June 2021. Collection method: clinical testing. Allele origin: germline. Affected: yes.
Comment: Nonsense variant predicted to result in protein truncation or nonsense mediated decay in a gene or region of a gene for which loss of function is not a well-established mechanism of disease; Has not been previously published as pathogenic or benign to our knowledge